The following is an entry in ClinVar:

ClinVar aggregate classification (germline): Uncertain significance (1 of 4 stars; one submission).

Conditions:
Waardenburg syndrome type 2A (WS2A). Also called: WAARDENBURG SYNDROME WITHOUT DYSTOPIA CANTHORUM. Identifiers: Orphanet 3440, MedGen C1860339, MONDO:0008671, OMIM 193510.
Tietz syndrome (TADS). Also called: ALBINISM-DEAFNESS OF TIETZ; HYPOPIGMENTATION/DEAFNESS OF TIETZ; TIETZ ALBINISM-DEAFNESS SYNDROME. Identifiers: Orphanet 42665, MedGen C0391816, MONDO:0007077, OMIM 103500.
Melanoma, cutaneous malignant, susceptibility to, 8. Also called: MELANOMA AND RENAL CELL CARCINOMA, SUSCEPTIBILITY TO; Cutaneous malignant melanoma 8. Identifiers: Orphanet 293822, MedGen C3152204, MONDO:0013759, OMIM 614456.

Submission:

Labcorp Genetics (formerly Invitae), Labcorp
Classification: Uncertain significance for Melanoma, cutaneous malignant, susceptibility to, 8; Waardenburg syndrome type 2A; Tietz syndrome. Last evaluated: 2024-03-06. Review status: criteria provided, single submitter. Criteria: Invitae Variant Classification Sherloc (09022015). Collection method: clinical testing. Allele origin: germline.
Comment: This sequence change replaces cysteine, which is neutral and slightly polar, with phenylalanine, which is neutral and non-polar, at codon 113 of the MITF protein (p.Cys113Phe). This variant is not present in population databases (gnomAD no frequency). This variant has not been reported in the literature in individuals affected with MITF-related conditions. An algorithm developed to predict the effect of missense changes on protein structure and function (PolyPhen-2) suggests that this variant is likely to be tolerated. In summary, the available evidence is currently insufficient to determine the role of this variant in disease. Therefore, it has been classified as a Variant of Uncertain Significance.

NM_001354604.2(MITF):c.659G>T (p.Cys220Phe)

Gene: MITF (melanocyte inducing transcription factor; plus strand). Cytogenetic location: 3p13.
Variant type: single nucleotide variant.
Coding change: c.659G>T on transcript NM_001354604.2 (MANE Select); coding-DNA position 659, G replaced by T.
Protein change: p.Cys220Phe; replaces cysteine 220 with phenylalanine.
Molecular consequence: missense variant.
Genome position (GRCh38, 1-based): chr3:69,939,174, G>T. VCF-style: chr3-69939174-G-T. GRCh37 (hg19) VCF-style: chr3-69988325-G-T.
Other names: c.338G>T, p.Cys113Phe (NM_000248.4, NM_198158.3); c.503G>T, p.Cys168Phe (NM_001184967.2, NM_001354608.2); c.656G>T, p.Cys219Phe (NM_001354605.2, NM_001354606.2, NM_006722.3); c.608G>T, p.Cys203Phe (NM_001354607.2); c.659G>T, p.Cys220Phe (NM_198159.3); c.611G>T, p.Cys204Phe (NM_198177.3); c.170G>T, p.Cys57Phe (NM_198178.3); short protein forms C113F, C168F, C203F, C204F, C219F, C220F, C57F.
Identifiers: ClinVar variation 3754818 (VCV003754818.2).